The following is an entry in ClinVar:

NM_182914.3(SYNE2):c.19539del (p.Tyr6514fs)

Gene: SYNE2 (spectrin repeat containing nuclear envelope protein 2; plus strand). Cytogenetic location: 14q23.2.
Variant type: Deletion.
Coding change: c.19539del on transcript NM_182914.3 (MANE Select); coding-DNA position 19539, one base deleted (C; older notation c.19539delC).
Protein change: p.Tyr6514fs; shifts the reading frame from tyrosine 6514.
Molecular consequence: frameshift variant.
Genome position (GRCh38, 1-based): chr14:64,216,384, C deleted; the last of 3 consecutive C bases (chr14:64,216,382-64,216,384); deleting any one gives the same sequence. VCF-style (leftmost placement, unchanged base first): chr14-64216381-AC-A. GRCh37 (hg19) VCF-style: chr14-64683099-AC-A.
Other names: c.19470del, p.Tyr6491fs (NM_015180.6); c.63del, p.Tyr22fs (NM_182910.2); c.441del, p.Tyr148fs (NM_182913.4); short protein forms Y22fs, Y6514fs, Y6491fs, Y148fs.
Identifiers: ClinVar variation 1504799 (VCV001504799.1), dbSNP rs2140289822, ClinGen allele CA2573150027.

ClinVar aggregate classification (germline): Uncertain significance (1 of 4 stars; one submission).

Conditions:
Emery-Dreifuss muscular dystrophy 5, autosomal dominant (EDMD5). Also called: EMERY-DREIFUSS MUSCULAR DYSTROPHY 5. Identifiers: Orphanet 261, MedGen C2751805, MONDO:0013072, OMIM 612999.

Submission:

Labcorp Genetics (formerly Invitae), Labcorp
Classification: Uncertain significance for Emery-Dreifuss muscular dystrophy 5, autosomal dominant. Last evaluated: 2021-11-20. Review status: criteria provided, single submitter. Criteria: Invitae Variant Classification Sherloc (09022015). Collection method: clinical testing. Allele origin: germline.
Comment: This sequence change creates a premature translational stop signal (p.Tyr6514Metfs*20) in the SYNE2 gene. It is expected to result in an absent or disrupted protein product. However, the current clinical and genetic evidence is not sufficient to establish whether loss-of-function variants in SYNE2 cause disease. This variant is not present in population databases (gnomAD no frequency). This variant has not been reported in the literature in individuals affected with SYNE2-related conditions. In summary, the available evidence is currently insufficient to determine the role of this variant in disease. Therefore, it has been classified as a Variant of Uncertain Significance.